The following is an entry in ClinVar:

ClinVar aggregate classification (germline): Conflicting classifications of pathogenicity. Review status: criteria provided, conflicting classifications (1 of 4 stars). 5 submissions from 5 submitters: Pathogenic (1); Likely pathogenic (1); Uncertain significance (1). 2 of the submissions do not count toward it. Last evaluated 2025-02-22.

Conditions:
RETINAL DYSTROPHY WITH EXTRAOCULAR ANOMALIES.
RCBTB1-related disorder. Also called: RCBTB1-related condition.
Retinitis pigmentosa (RP). Identifiers: Orphanet 791, MedGen C0035334, MeSH D012174, MONDO:0019200, OMIM 268000. Inheritance: Autosomal dominant, autosomal recessive and X linked inheritance.

Allele frequency attached by ClinVar (database versions not stated): gnomAD exomes below 0.00001 and 0.00001; TOPMed below 0.00001; ExAC 0.00001.
gnomAD v4.1: 6 of 1,614,154 alleles (0.00037%); highest among the groups gnomAD compares: Non-Finnish European, 0.00042%; no homozygotes.

Submissions (5):

Labcorp Genetics (formerly Invitae), Labcorp
Classification: Uncertain significance. Last evaluated: 2025-02-22. Review status: criteria provided, single submitter. Criteria: Invitae Variant Classification Sherloc (09022015). Collection method: clinical testing. Allele origin: germline.
Comment: This sequence change replaces tryptophan, which is neutral and slightly polar, with cysteine, which is neutral and slightly polar, at codon 310 of the RCBTB1 protein (p.Trp310Cys). This variant is present in population databases (rs772592456, gnomAD 0.002%). This missense change has been observed in individual(s) with inherited retinal disease (PMID: 27486781, 32531858). ClinVar contains an entry for this variant (Variation ID: 253017). Invitae Evidence Modeling of protein sequence and biophysical properties (such as structural, functional, and spatial information, amino acid conservation, physicochemical variation, residue mobility, and thermodynamic stability) indicates that this missense variant is expected to disrupt RCBTB1 protein function with a positive predictive value of 80%. In summary, the available evidence is currently insufficient to determine the role of this variant in disease. Therefore, it has been classified as a Variant of Uncertain Significance.

Blueprint Genetics
Classification: Likely pathogenic for RCBTB1-related disorders. Last evaluated: 2024-02-09. Review status: criteria provided, single submitter. Criteria: ACMG Guidelines, 2015. Collection method: clinical testing. Allele origin: germline. Affected: yes. Observed: 5 variant alleles.

CeGaT Center for Human Genetics Tuebingen
Classification: Pathogenic. Last evaluated: 2018-09-01. Review status: criteria provided, single submitter. Criteria: CeGaT Center For Human Genetics Tuebingen Variant Classification Criteria Version 2. Collection method: clinical testing. Allele origin: germline. Affected: yes. Observed: 1 variant allele.

OMIM
Classification: Pathogenic for RETINAL DYSTROPHY WITH EXTRAOCULAR ANOMALIES. Last evaluated: 2016-11-01. Review status: no assertion criteria provided. Collection method: literature only. Allele origin: germline. Not counted in ClinVar's aggregate classification.

Center for Medical Genetics Ghent, University of Ghent
Classification: Likely pathogenic for Retinitis pigmentosa. Review status: no assertion criteria provided. Collection method: research. Allele origin: germline. Affected: yes. Not counted in ClinVar's aggregate classification.

Literature cited by the submitters: PubMed 27486781 (cited by 3 submitters); PubMed 32531858 (cited by Labcorp Genetics (formerly Invitae), Labcorp).

NM_018191.4(RCBTB1):c.930G>T (p.Trp310Cys)

Gene: RCBTB1 (RCC1 and BTB domain containing protein 1; minus strand). Cytogenetic location: 13q14.2.
Variant type: single nucleotide variant.
Coding change: c.930G>T on transcript NM_018191.4 (MANE Select); coding-DNA position 930, G replaced by T.
Protein change: p.Trp310Cys; replaces tryptophan 310 with cysteine.
Molecular consequence: missense variant. On other transcripts: non-coding transcript variant (2).
Genome position (GRCh38, 1-based): chr13:49,549,573, C>A on the plus strand (G>T on the coding strand, the complement: RCBTB1 is on the minus strand). VCF-style: chr13-49549573-C-A. GRCh37 (hg19) VCF-style: chr13-50123709-C-A.
Other names: c.930G>T, p.Trp310Cys (NM_001352500.2, NM_001352501.2, NM_001352502.2 and 3 more transcripts); c.351G>T, p.Trp117Cys (NM_001352506.2); short protein forms W310C, W117C.
Identifiers: ClinVar variation 253017 (VCV000253017.48), dbSNP rs772592456, ClinGen allele CA6982735.